The following is an entry in ClinVar:

NM_004171.4(SLC1A2):c.304A>G (p.Ile102Val)

Gene: SLC1A2 (solute carrier family 1 member 2; minus strand). Cytogenetic location: 11p13.
Variant type: single nucleotide variant.
Coding change: c.304A>G on transcript NM_004171.4 (MANE Select); coding-DNA position 304, A replaced by G.
Protein change: p.Ile102Val; replaces isoleucine 102 with valine.
Molecular consequence: missense variant.
Genome position (GRCh38, 1-based): chr11:35,315,029, T>C on the plus strand (A>G on the coding strand, the complement: SLC1A2 is on the minus strand). VCF-style: chr11-35315029-T-C. GRCh37 (hg19) VCF-style: chr11-35336576-T-C.
Other names: c.277A>G, p.Ile93Val (NM_001195728.3, NM_001252652.2); short protein forms I102V, I93V.
Identifiers: ClinVar variation 1339115 (VCV001339115.2), dbSNP rs2134887083, ClinGen allele CA380130400.
Genomic context (GRCh38, chr11:35,315,029, plus strand): 5'-AGCCAGGGCAGGAGTATGACCCATGTTAGCCAGGCACTAGTGAGGTAGTCTTACCTGTGA[T>C]TAAGCTGGAGATGATTAGAGGGAGAATGAGCATTTTTAGCATCCTCATGAGTATATCCCC-3'
Protein context (NP_004162.2, residues 92-112): LILPLIISSL[Ile102Val]TGLSGLDAKA

ClinVar aggregate classification (germline): Uncertain significance (1 of 4 stars; one submission).

Conditions:
Developmental and epileptic encephalopathy, 41 (DEE41). Also called: Epileptic encephalopathy, early infantile, 41. Identifiers: MedGen C4310717, MONDO:0014916, OMIM 617105.

Submission:

Neuberg Centre For Genomic Medicine, NCGM
Classification: Uncertain significance for Developmental and epileptic encephalopathy, 41. Review status: criteria provided, single submitter. Criteria: ACMG Guidelines, 2015. Collection method: clinical testing. Allele origin: germline. Affected: yes.
Comment: The missense variant p.I102V in SLC1A2 (NM_004171.4) has not been reported previously as a pathogenic variant nor as a benign variant, to our knowledge. The p.I102V variant is novel (not in any individuals) in gnomAD Exomes and is novel (not in any individuals) in 1000 Genomes. The p.I102V missense variant is predicted to be damaging by both SIFT and PolyPhen2. The isoleucine residue at codon 102 of SLC1A2 is conserved in all mammalian species. The nucleotide c.304 in SLC1A2 is predicted conserved by GERP++ and PhyloP across 100 vertebrates. For these reasons, this variant has been classified as Uncertain Significance.